The following is an entry in ClinVar:

NM_000059.4(BRCA2):c.3853dup (p.Glu1285fs)

Gene: BRCA2 (BRCA2 DNA repair associated; plus strand). Cytogenetic location: 13q13.1.
Variant type: Duplication.
Coding change: c.3853dup on transcript NM_000059.4 (MANE Select); coding-DNA position 3853, one base duplicated (G; older notation c.3853dupG).
Protein change: p.Glu1285fs; shifts the reading frame from glutamic acid 1285.
Molecular consequence: frameshift variant.
Genome position (GRCh38, 1-based): chr13:32,338,208, G duplicated. VCF-style (leftmost placement, unchanged base first): chr13-32338207-T-TG. GRCh37 (hg19) VCF-style: chr13-32912344-T-TG.
Other names: c.3853dupG (NM_000059.3); short protein forms E1285fs.
Identifiers: ClinVar variation 919120 (VCV000919120.6), dbSNP rs2072490081, ClinGen allele CA913188538.

ClinVar aggregate classification (germline): Pathogenic. Review status: criteria provided, multiple submitters, no conflicts (2 of 4 stars). 2 submissions from 2 submitters: Pathogenic (2). Last evaluated 2026-02-06.

Conditions:
Hereditary cancer-predisposing syndrome. Also called: Tumor predisposition; Hereditary neoplastic syndrome; Hereditary Cancer Syndrome; Neoplastic Syndromes, Hereditary. Identifiers: Orphanet 140162, MedGen C0027672, MeSH D009386, MONDO:0015356.

Submissions (2):

Ambry Genetics
Classification: Pathogenic for Hereditary cancer-predisposing syndrome. Last evaluated: 2026-02-06. Review status: criteria provided, single submitter. Criteria: Ambry Variant Classification Scheme 2023. Collection method: clinical testing. Allele origin: germline.
Comment: The c.3853dupG pathogenic mutation, located in coding exon 10 of the BRCA2 gene, results from a duplication of G at nucleotide position 3853, causing a translational frameshift with a predicted alternate stop codon (p.E1285Gfs*4). This variant is considered to be rare based on population cohorts in the Genome Aggregation Database (gnomAD). This alteration is expected to result in loss of function by premature protein truncation or nonsense-mediated mRNA decay. As such, this alteration is interpreted as a disease-causing mutation.

Color Diagnostics, LLC DBA Color Health
Classification: Pathogenic for Hereditary cancer-predisposing syndrome. Last evaluated: 2023-01-23. Review status: criteria provided, single submitter. Criteria: ACMG Guidelines, 2015. Collection method: clinical testing. Allele origin: germline.
Comment: This variant inserts 1 nucleotide in exon 11 of the BRCA2 gene, creating a frameshift and premature translation stop signal. This variant is expected to result in an absent or non-functional protein product. To our knowledge, this variant has not been reported in individuals affected with BRCA2-related disorders in the literature. This variant has not been identified in the general population by the Genome Aggregation Database (gnomAD). Loss of BRCA2 function is a known mechanism of disease. Based on the available evidence, this variant is classified as Pathogenic.